The following is an entry in ClinVar:

NM_001127222.2(CACNA1A):c.1343T>C (p.Val448Ala)

Gene: CACNA1A (calcium voltage-gated channel subunit alpha1 A; minus strand). Cytogenetic location: 19p13.13.
Variant type: single nucleotide variant.
Coding change: c.1343T>C on transcript NM_001127222.2 (MANE Select); coding-DNA position 1343, T replaced by C.
Protein change: p.Val448Ala; replaces valine 448 with alanine.
Molecular consequence: missense variant.
Genome position (GRCh38, 1-based): chr19:13,330,246, A>G on the plus strand (T>C on the coding strand, the complement: CACNA1A is on the minus strand). VCF-style: chr19-13330246-A-G. GRCh37 (hg19) VCF-style: chr19-13441060-A-G.
Other names: c.1346T>C, p.Val449Ala (NM_000068.4, NM_001127221.2, NM_001174080.2 and 1 more transcripts); short protein forms V448A, V449A.
Identifiers: ClinVar variation 2574856 (VCV002574856.2), dbSNP rs1272870056, ClinGen allele CA404346031.

ClinVar aggregate classification (germline): Uncertain significance. Review status: criteria provided, multiple submitters, no conflicts (2 of 4 stars). 2 submissions from 2 submitters: Uncertain significance (2). Last evaluated 2025-02-04.

Submissions (2):

Greenwood Genetic Center Diagnostic Laboratories, Greenwood Genetic Center
Classification: Uncertain significance. Last evaluated: 2025-02-04. Review status: criteria provided, single submitter. Criteria: ACMG Guidelines, 2015. Collection method: clinical testing. Allele origin: germline.
Comment: PM2, PP2

GeneDx
Classification: Uncertain significance. Last evaluated: 2023-02-02. Review status: criteria provided, single submitter. Criteria: GeneDx Variant Classification Process June 2021. Collection method: clinical testing. Allele origin: germline. Affected: yes.
Comment: Not observed at significant frequency in large population cohorts (gnomAD); In silico analysis supports that this missense variant has a deleterious effect on protein structure/function; Has not been previously published as pathogenic or benign to our knowledge